The following is an entry in ClinVar:

ClinVar aggregate classification (germline): Uncertain significance (1 of 4 stars; one submission).

gnomAD v4.1: 1 of 1,614,132 alleles (0.000062%); highest among the groups gnomAD compares: Admixed American, 0.0017%; no homozygotes.

Submission:

GeneDx
Classification: Uncertain significance. Last evaluated: 2024-06-13. Review status: criteria provided, single submitter. Criteria: GeneDx Variant Classification Process June 2021. Collection method: clinical testing. Allele origin: germline. Affected: yes.
Comment: Not observed at significant frequency in large population cohorts (gnomAD); In silico analysis indicates that this missense variant does not alter protein structure/function; Has not been previously published as pathogenic or benign to our knowledge

NM_001145358.2(SIN3A):c.872G>T (p.Gly291Val)

Gene: SIN3A (SIN3 transcription regulator family member A; minus strand). Cytogenetic location: 15q24.2.
Variant type: single nucleotide variant.
Coding change: c.872G>T on transcript NM_001145358.2 (MANE Select); coding-DNA position 872, G replaced by T.
Protein change: p.Gly291Val; replaces glycine 291 with valine.
Molecular consequence: missense variant.
Genome position (GRCh38, 1-based): chr15:75,411,628, C>A on the plus strand (G>T on the coding strand, the complement: SIN3A is on the minus strand). VCF-style: chr15-75411628-C-A. GRCh37 (hg19) VCF-style: chr15-75703969-C-A.
Other names: c.872G>T, p.Gly291Val (NM_001145357.2, NM_015477.3); short protein forms G291V.
Identifiers: ClinVar variation 3390380 (VCV003390380.1).